The following is an entry in ClinVar:

ClinVar aggregate classification (germline): Pathogenic (1 of 4 stars; one submission).

Conditions:
Short-rib thoracic dysplasia 6 with or without polydactyly (SRTD6). Also called: SHORT RIB-POLYDACTYLY SYNDROME, TYPE IIA; POLYDACTYLY WITH NEONATAL CHONDRODYSTROPHY, TYPE II; Majewski Syndrome; SHORT-RIB THORACIC DYSPLASIA 6 WITH POLYDACTYLY; SHORT-RIB THORACIC DYSPLASIA 6 WITHOUT POLYDACTYLY. Identifiers: MedGen C0024507, MONDO:0009894, OMIM 263520.

gnomAD v4.1: 2 of 1,567,810 alleles (0.00013%); highest among the groups gnomAD compares: Non-Finnish European, 0.00017%; no homozygotes.

Submission:

Labcorp Genetics (formerly Invitae), Labcorp
Classification: Pathogenic for Short-rib thoracic dysplasia 6 with or without polydactyly. Last evaluated: 2025-06-03. Review status: criteria provided, single submitter. Criteria: Invitae Variant Classification Sherloc (09022015). Collection method: clinical testing. Allele origin: germline.
Comment: This sequence change creates a premature translational stop signal (p.Gln393*) in the NEK1 gene. It is expected to result in an absent or disrupted protein product. Loss-of-function variants in NEK1 are known to be pathogenic (PMID: 22499340, 29068549). This variant is not present in population databases (gnomAD no frequency). This variant has not been reported in the literature in individuals affected with NEK1-related conditions. ClinVar contains an entry for this variant (Variation ID: 2108520). Algorithms developed to predict the effect of sequence changes on RNA splicing suggest that this variant may disrupt the consensus splice site. For these reasons, this variant has been classified as Pathogenic.

Literature cited by the submitters: PubMed 22499340; PubMed 29068549.

NM_001199397.3(NEK1):c.1177C>T (p.Gln393Ter)

Gene: NEK1 (NIMA related kinase 1; minus strand). Cytogenetic location: 4q33.
Variant type: single nucleotide variant.
Coding change: c.1177C>T on transcript NM_001199397.3 (MANE Select); coding-DNA position 1177, C replaced by T.
Protein change: p.Gln393Ter; replaces glutamine 393 with a stop codon.
Molecular consequence: nonsense. On other transcripts: non-coding transcript variant (2), intron variant (2).
Genome position (GRCh38, 1-based): chr4:169,561,701, G>A on the plus strand (C>T on the coding strand, the complement: NEK1 is on the minus strand). VCF-style: chr4-169561701-G-A. GRCh37 (hg19) VCF-style: chr4-170482852-G-A.
Other names: c.1177C>T, p.Gln393Ter (NM_001199399.3, NM_001199400.3, NM_001374418.1 and 5 more transcripts); c.1140+131C>T (NM_001374421.1, NM_001374420.1); short protein forms Q393*.
Identifiers: ClinVar variation 2108520 (VCV002108520.4), dbSNP rs765037444, ClinGen allele CA358734424.